The following is an entry in ClinVar:

NM_080424.4(SP110):c.686dup (p.Gln231fs)

Genes: SP140 (SP140 nuclear body protein; plus strand), SP110 (SP110 nuclear body protein; minus strand). Cytogenetic location: 2q37.1.
Variant type: Duplication.
Coding change: c.686dup on transcript NM_080424.4 (MANE Select); coding-DNA position 686, one base duplicated (T; older notation c.686dupT).
Protein change: p.Gln231fs; shifts the reading frame from glutamine 231.
Molecular consequence: frameshift variant.
Genome position (GRCh38, 1-based): chr2:230,211,535, A duplicated on the plus strand (T on the coding strand, the reverse complement: SP110 is on the minus strand). VCF-style (leftmost placement, unchanged base first): chr2-230211534-G-GA. GRCh37 (hg19) VCF-style: chr2-231076249-G-GA.
Other names: c.704dup, p.Gln237fs (NM_001378442.1, NM_001378444.1, NM_001378445.1 and 2 more transcripts); c.686dup, p.Gln231fs (NM_001378443.1, NM_001378447.1, NM_004509.5 and 1 more transcripts); c.686dup (NM_004509.4); short protein forms Q231fs, Q237fs.
Identifiers: ClinVar variation 862894 (VCV000862894.10), dbSNP rs763364899, ClinGen allele CA2154758.

ClinVar aggregate classification (germline): Pathogenic/Likely pathogenic. Review status: criteria provided, multiple submitters, no conflicts (2 of 4 stars). 2 submissions from 2 submitters: Pathogenic (1); Likely pathogenic (1). Last evaluated 2024-05-01.

Conditions:
Hepatic veno-occlusive disease-immunodeficiency syndrome. Also called: Hepatic Veno-Occlusive Disease with Immunodeficiency. Identifiers: Orphanet 79124, MedGen C1856128, MONDO:0009338, OMIM 235550. Disease mechanism: loss of function.
Mycobacterium tuberculosis, susceptibility to. Identifiers: MedGen C1834752, OMIM 607948.

Allele frequency attached by ClinVar (database versions not stated): gnomAD exomes below 0.00001 and 0.00002; ExAC 0.00002.

Submissions (2):

Fulgent Genetics
Classification: Likely pathogenic for Hepatic veno-occlusive disease-immunodeficiency syndrome; Mycobacterium tuberculosis, susceptibility to. Last evaluated: 2024-05-01. Review status: criteria provided, single submitter. Criteria: ACMG Guidelines, 2015. Collection method: clinical testing. Allele origin: germline.

Labcorp Genetics (formerly Invitae), Labcorp
Classification: Pathogenic for Hepatic veno-occlusive disease-immunodeficiency syndrome. Last evaluated: 2023-11-27. Review status: criteria provided, single submitter. Criteria: Invitae Variant Classification Sherloc (09022015). Collection method: clinical testing. Allele origin: germline.
Comment: This sequence change creates a premature translational stop signal (p.Gln231Profs*5) in the SP110 gene. It is expected to result in an absent or disrupted protein product. Loss-of-function variants in SP110 are known to be pathogenic (PMID: 16648851, 22621957). This variant is present in population databases (rs763364899, gnomAD 0.006%). This premature translational stop signal has been observed in individual(s) with a primary immunodeficiency disease (PMID: 27577878). ClinVar contains an entry for this variant (Variation ID: 862894). For these reasons, this variant has been classified as Pathogenic.

Literature cited by the submitters: PubMed 16648851 (cited by Labcorp Genetics (formerly Invitae), Labcorp); PubMed 22621957 (cited by Labcorp Genetics (formerly Invitae), Labcorp); PubMed 27577878 (cited by Labcorp Genetics (formerly Invitae), Labcorp).